The following is an entry in ClinVar:

ClinVar aggregate classification (germline): Pathogenic (1 of 4 stars; one submission).

Submission:

Labcorp Genetics (formerly Invitae), Labcorp
Classification: Pathogenic. Last evaluated: 2024-04-30. Review status: criteria provided, single submitter. Criteria: Invitae Variant Classification Sherloc (09022015). Collection method: clinical testing. Allele origin: germline.
Comment: This sequence change creates a premature translational stop signal (p.Trp54*) in the LZTR1 gene. It is expected to result in an absent or disrupted protein product. Loss-of-function variants in LZTR1 are known to be pathogenic (PMID: 24362817, 25335493, 25480913, 25795793, 29469822, 30368668, 30442762, 30442766, 30481304, 30859559). This variant is not present in population databases (gnomAD no frequency). This premature translational stop signal has been observed in individual(s) with LZTR1-related conditions (PMID: 32575496). For these reasons, this variant has been classified as Pathogenic.

Literature cited by the submitters: PubMed 24362817; PubMed 25335493; PubMed 25480913; PubMed 25795793; PubMed 29469822; PubMed 30368668; PubMed 30442762; PubMed 30442766; PubMed 30481304; PubMed 30859559; PubMed 32575496.

NM_006767.4(LZTR1):c.162G>A (p.Trp54Ter)

Gene: LZTR1 (leucine zipper like post translational regulator 1; plus strand). Cytogenetic location: 22q11.21.
Variant type: single nucleotide variant.
Coding change: c.162G>A on transcript NM_006767.4 (MANE Select); coding-DNA position 162, G replaced by A.
Protein change: p.Trp54Ter; replaces tryptophan 54 with a stop codon.
Molecular consequence: nonsense.
Genome position (GRCh38, 1-based): chr22:20,982,533, G>A. VCF-style: chr22-20982533-G-A. GRCh37 (hg19) VCF-style: chr22-21336822-G-A.
Other names: short protein forms W54*.
Identifiers: ClinVar variation 2960734 (VCV002960734.3), dbSNP rs2518607941, ClinGen allele CA410778024.